The following is an entry in ClinVar:

NM_001130965.3(SUN1):c.179C>T (p.Thr60Met)

Gene: SUN1 (Sad1 and UNC84 domain containing 1; plus strand). Cytogenetic location: 7p22.3.
Variant type: single nucleotide variant.
Coding change: c.179C>T on transcript NM_001130965.3 (MANE Select); coding-DNA position 179, C replaced by T.
Protein change: p.Thr60Met; replaces threonine 60 with methionine.
Molecular consequence: missense variant. On other transcripts: 5 prime UTR variant (2), non-coding transcript variant (3), intron variant (2).
Genome position (GRCh38, 1-based): chr7:838,899, C>T. VCF-style: chr7-838899-C-T. GRCh37 (hg19) VCF-style: chr7-878536-C-T.
Other names: p.Thr60Met; c.29C>T, p.Thr10Met (NM_001367646.1, NM_001367647.1, NM_001367648.1 and 24 more transcripts); c.398C>T, p.Thr133Met (NM_001367651.1); c.179C>T, p.Thr60Met (NM_001367653.1, NM_001367678.1, NM_001367682.1 and 34 more transcripts); c.-583C>T (NM_001367658.1); c.242C>T, p.Thr81Met (NM_001171945.2); c.-279C>T (NM_001367635.1); c.78-3047C>T (NM_001367695.1); and 1 more; short protein forms T81M, T133M, T60M, T10M.
Identifiers: ClinVar variation 847938 (VCV000847938.12), dbSNP rs112200342, ClinGen allele CA4111404.

ClinVar aggregate classification (germline): Conflicting classifications of pathogenicity. Review status: criteria provided, conflicting classifications (1 of 4 stars). 3 submissions from 3 submitters: Uncertain significance (2); Likely benign (1). Last evaluated 2025-12-14.

Conditions:
Emery-Dreifuss muscular dystrophy (EDMD). Also called: Scapuloperoneal syndrome, X-linked (formerly); Humeroperoneal neuromuscular disease, (formerly). Identifiers: Orphanet 261, MedGen C0410189, MONDO:0016830.

Allele frequency attached by ClinVar (database versions not stated): gnomAD exomes 0.00009; ExAC 0.00012; ESP Exome Variant Server 0.00032; TOPMed 0.00039; gnomAD 0.00042 and 0.00047.
gnomAD v4.1: 158 of 1,610,640 alleles (0.0098%); highest among the groups gnomAD compares: African/African-American, 0.12%; no homozygotes.

Submissions (3):

Mayo Clinic Laboratories, Mayo Clinic
Classification: Likely benign. Last evaluated: 2025-12-14. Review status: criteria provided, single submitter. Criteria: ACMG Guidelines, 2015. Collection method: clinical testing. Allele origin: germline. Observed: 1 variant allele.
Comment: BP4_moderate

Ambry Genetics
Classification: Uncertain significance. Last evaluated: 2025-11-05. Review status: criteria provided, single submitter. Criteria: Ambry Variant Classification Scheme 2023. Collection method: clinical testing. Allele origin: germline.

Labcorp Genetics (formerly Invitae), Labcorp
Classification: Uncertain significance for Emery-Dreifuss muscular dystrophy. Last evaluated: 2025-07-30. Review status: criteria provided, single submitter. Criteria: Invitae Variant Classification Sherloc (09022015). Collection method: clinical testing. Allele origin: germline.
Comment: This sequence change replaces threonine, which is neutral and polar, with methionine, which is neutral and non-polar, at codon 60 of the SUN1 protein (p.Thr60Met). This variant is present in population databases (rs112200342, gnomAD 0.1%), and has an allele count higher than expected for a pathogenic variant. This variant has not been reported in the literature in individuals affected with SUN1-related conditions. ClinVar contains an entry for this variant (Variation ID: 847938). An algorithm developed to predict the effect of missense changes on protein structure and function (PolyPhen-2) suggests that this variant is likely to be disruptive. In summary, the available evidence is currently insufficient to determine the role of this variant in disease. Therefore, it has been classified as a Variant of Uncertain Significance.